The following is an entry in ClinVar:

NM_004380.3(CREBBP):c.2312A>G (p.Gln771Arg)

Gene: CREBBP (CREB binding lysine acetyltransferase; minus strand). Cytogenetic location: 16p13.3.
Variant type: single nucleotide variant.
Coding change: c.2312A>G on transcript NM_004380.3 (MANE Select); coding-DNA position 2312, A replaced by G.
Protein change: p.Gln771Arg; replaces glutamine 771 with arginine.
Molecular consequence: missense variant.
Genome position (GRCh38, 1-based): chr16:3,773,902, T>C on the plus strand (A>G on the coding strand, the complement: CREBBP is on the minus strand). VCF-style: chr16-3773902-T-C. GRCh37 (hg19) VCF-style: chr16-3823903-T-C.
Other names: c.2198A>G, p.Gln733Arg (NM_001079846.1); short protein forms Q771R, Q733R.
Identifiers: ClinVar variation 95032 (VCV000095032.39), dbSNP rs147805823, ClinGen allele CA222683.
Genomic context (GRCh38, chr16:3,773,902, plus strand): 5'-CTCTGAGCGGGCGCCTGGGCCATCATGTTGTTGGTGTGTGCACCCATCATGTTCGGAGGC[T>C]GAGGCATTCGGGAAGGAGAAATGGCCATCTACGAGACAACAAGCACCACCAGAGCTGTAG-3'
Protein context (NP_004371.2, residues 761-781): GMAISPSRMP[Gln771Arg]PPNMMGAHTN

ClinVar aggregate classification (germline): Conflicting classifications of pathogenicity. Review status: criteria provided, conflicting classifications (1 of 4 stars). 7 submissions from 7 submitters: Uncertain significance (1); Benign (1); Likely benign (4). 1 of the submissions does not count toward it. Last evaluated 2025-08-04.

Conditions:
CREBBP-related disorder. Also called: CREBBP-related disorders; CREBBP-related condition.
Menke-Hennekam syndrome 1 (MKHK1). Identifiers: MedGen C5193034, MONDO:0020763, OMIM 618332.
Rubinstein-Taybi syndrome due to CREBBP mutations (RSTS1). Also called: RUBINSTEIN-TAYBI SYNDROME 1, INCOMPLETE; RUBINSTEIN SYNDROME; CREBBP-Related Rubinstein-Taybi Syndrome; BROAD THUMB-HALLUX SYNDROME; Rubinstein-Taybi syndrome 1; BROAD THUMBS AND GREAT TOES, CHARACTERISTIC FACIES, AND IMPAIRED INTELLECTUAL DEVELOPMENT. Identifiers: Orphanet 353277, Orphanet 783, MedGen C4551859, MONDO:0008393, OMIM 180849.
Rubinstein-Taybi syndrome (RSTS). Identifiers: Orphanet 783, MedGen C0035934, MONDO:0019188.
Inborn genetic diseases. Identifiers: MedGen C0950123, MeSH D030342.

Allele frequency attached by ClinVar (database versions not stated): gnomAD 0.00005; gnomAD exomes 0.00005; ESP Exome Variant Server 0.00015; TOPMed 0.00006.
gnomAD v4.1: 86 of 1,612,130 alleles (0.0053%); highest among the groups gnomAD compares: Non-Finnish European, 0.007%; no homozygotes.

Submissions (7):

Labcorp Genetics (formerly Invitae), Labcorp
Classification: Benign for Rubinstein-Taybi syndrome. Last evaluated: 2025-08-04. Review status: criteria provided, single submitter. Criteria: Invitae Variant Classification Sherloc (09022015). Collection method: clinical testing. Allele origin: germline.

Fulgent Genetics
Classification: Likely benign for Rubinstein-Taybi syndrome due to CREBBP mutations; Menke-Hennekam syndrome 1. Last evaluated: 2024-04-08. Review status: criteria provided, single submitter. Criteria: ACMG Guidelines, 2015. Collection method: clinical testing. Allele origin: germline.

CeGaT Center for Human Genetics Tuebingen
Classification: Likely benign. Last evaluated: 2024-01-01. Review status: criteria provided, single submitter. Criteria: CeGaT Center For Human Genetics Tuebingen Variant Classification Criteria Version 2. Collection method: clinical testing. Allele origin: germline. Affected: yes. Observed: 1 variant allele.
Comment: CREBBP: BS2

Blueprint Genetics
Classification: Likely benign. Last evaluated: 2023-08-21. Review status: criteria provided, single submitter. Criteria: ACMG Guidelines, 2015. Collection method: clinical testing. Allele origin: germline.

Ambry Genetics
Classification: Likely benign for Inborn genetic diseases. Last evaluated: 2022-03-07. Review status: criteria provided, single submitter. Criteria: Ambry Variant Classification Scheme 2023. Collection method: clinical testing. Allele origin: germline.

Eurofins Ntd Llc (ga)
Classification: Uncertain significance. Last evaluated: 2013-09-30. Review status: criteria provided, single submitter. Criteria: EGL Classification Definitions 2015. Collection method: clinical testing. Allele origin: germline. Observed: 1 variant allele, 1 heterozygote.

PreventionGenetics, part of Exact Sciences
Classification: Likely benign for CREBBP-related condition. Last evaluated: 2021-08-19. Review status: no assertion criteria provided. Collection method: clinical testing. Allele origin: germline. Not counted in ClinVar's aggregate classification.
Comment: This variant is classified as likely benign based on ACMG/AMP sequence variant interpretation guidelines (Richards et al. 2015 PMID: 25741868, with internal and published modifications).